The following is an entry in ClinVar:

NM_015425.6(POLR1A):c.928C>T (p.Arg310Cys)

Gene: POLR1A (RNA polymerase I subunit A; minus strand). Cytogenetic location: 2p11.2.
Variant type: single nucleotide variant.
Coding change: c.928C>T on transcript NM_015425.6 (MANE Select); coding-DNA position 928, C replaced by T.
Protein change: p.Arg310Cys; replaces arginine 310 with cysteine.
Molecular consequence: missense variant.
Genome position (GRCh38, 1-based): chr2:86,080,974, G>A on the plus strand (C>T on the coding strand, the complement: POLR1A is on the minus strand). VCF-style: chr2-86080974-G-A. GRCh37 (hg19) VCF-style: chr2-86308097-G-A.
Other names: c.928C>T (NM_015425.3); short protein forms R310C.
Identifiers: ClinVar variation 3778758 (VCV003778758.2).

ClinVar aggregate classification (germline): Conflicting classifications of pathogenicity. Review status: criteria provided, conflicting classifications (1 of 4 stars). 2 submissions from 2 submitters: Likely pathogenic (1); Uncertain significance (1). Last evaluated 2026-04-02.

Conditions:
POLR1A-related disorder. Also called: POLR1A-related condition.

gnomAD v4.1: 4 of 1,610,868 alleles (0.00025%); highest among the groups gnomAD compares: Non-Finnish European, 0.00034%; no homozygotes.

Submissions (2):

GeneDx
Classification: Uncertain significance. Last evaluated: 2026-04-02. Review status: criteria provided, single submitter. Criteria: GeneDx Variant Classification Process June 2021. Collection method: clinical testing. Allele origin: germline.
Comment: Observed in large aggregate dataset examining de novo variants in patients with various developmental disorders (PMID: 33057194, 35982159); Not observed at significant frequency in large population cohorts (gnomAD); In silico analysis supports that this missense variant has a deleterious effect on protein structure/function; This variant is associated with the following publications: (PMID: 33057194, 35982159)

Daryl Scott Lab, Baylor College of Medicine
Classification: Likely pathogenic for POLR1A-related disorder. Last evaluated: 2024-04-01. Review status: criteria provided, single submitter. Criteria: ACMG Guidelines, 2015. Collection method: research. Allele origin: de novo. Observed: 1 heterozygote.
Comment: PS2, PM2, PP3